The following is an entry in ClinVar:

ClinVar aggregate classification (germline): Uncertain significance (1 of 4 stars; one submission).

gnomAD v4.1: 1 of 1,613,984 alleles (0.000062%); highest among the groups gnomAD compares: Non-Finnish European, 0.000085%; no homozygotes.

Submission:

GeneDx
Classification: Uncertain significance. Last evaluated: 2022-12-27. Review status: criteria provided, single submitter. Criteria: GeneDx Variant Classification Process June 2021. Collection method: clinical testing. Allele origin: germline. Affected: yes.
Comment: Not observed at significant frequency in large population cohorts (gnomAD); In silico analysis supports that this missense variant has a deleterious effect on protein structure/function; Occurs in the triple helical domain at the X position in the canonical Gly-X-Y repeat; although this variant may have an effect on normal protein folding and function, missense substitution at the X position is not a common mechanism of disease (Symoens et al., 2012; HGMD); Has not been previously published as pathogenic or benign to our knowledge; This variant is associated with the following publications: (PMID: 22696272)

NM_000093.5(COL5A1):c.1850C>A (p.Ala617Asp)

Gene: COL5A1 (collagen type V alpha 1 chain; plus strand). Cytogenetic location: 9q34.3.
Variant type: single nucleotide variant.
Coding change: c.1850C>A on transcript NM_000093.5 (MANE Select); coding-DNA position 1850, C replaced by A.
Protein change: p.Ala617Asp; replaces alanine 617 with aspartic acid.
Molecular consequence: missense variant.
Genome position (GRCh38, 1-based): chr9:134,756,787, C>A. VCF-style: chr9-134756787-C-A. GRCh37 (hg19) VCF-style: chr9-137648633-C-A.
Other names: c.1850C>A, p.Ala617Asp (NM_001278074.1); short protein forms A617D.
Identifiers: ClinVar variation 2507094 (VCV002507094.1), dbSNP rs1588508705, ClinGen allele CA375445424.